The following is an entry in ClinVar:

NM_001003699.4(RREB1):c.2514C>T (p.Ala838=)

Gene: RREB1 (ras responsive element binding protein 1; plus strand). Cytogenetic location: 6p24.3.
Variant type: single nucleotide variant.
Coding change: c.2514C>T on transcript NM_001003699.4 (MANE Select); coding-DNA position 2514, C replaced by T.
Protein change: p.Ala838=; no amino-acid change (alanine 838 retained).
Molecular consequence: synonymous variant.
Genome position (GRCh38, 1-based): chr6:7,230,613, C>T. VCF-style: chr6-7230613-C-T. GRCh37 (hg19) VCF-style: chr6-7230846-C-T.
Other names: c.2514C>T, p.Ala838= (NM_001003698.4, NM_001003700.2, NM_001168344.2).
Identifiers: ClinVar variation 790727 (VCV000790727.6), dbSNP rs201261986, ClinGen allele CA3625840.
Genomic context (GRCh38, chr6:7,230,613, plus strand): 5'-GCAGGACATCGAGAGCTACGTGCTGGCCGCCGACGGCCTGGGCCCCGCAGAGGCGCCGGC[C>T]GCTGAGGCGTCGGGGCGCGGGGAGGACAGTGGCTGCGCTGCCCTTGGTGACTGCAAGCCC-3'
Protein context (NP_001003699.1, residues 828-848): ADGLGPAEAP[Ala838=]AEASGRGEDS

ClinVar aggregate classification (germline): Benign. Review status: criteria provided, single submitter (1 of 4 stars). 2 submissions from 2 submitters: Benign (1). 1 of the submissions does not count toward it. Last evaluated 2019-12-31.

Conditions:
RREB1-related disorder. Also called: RREB1-related condition.

Allele frequency attached by ClinVar (database versions not stated): gnomAD 0.00004 and 0.00101; TOPMed 0.00022; gnomAD exomes 0.00427; ExAC 0.00601; 1000 Genomes Project 30x 0.00718; 1000 Genomes Project 0.00799.
gnomAD v4.1: 2,912 of 1,604,488 alleles (0.18%); highest among the groups gnomAD compares: South Asian, 3%; 60 homozygotes.

Submissions (2):

Labcorp Genetics (formerly Invitae), Labcorp
Classification: Benign. Last evaluated: 2019-12-31. Review status: criteria provided, single submitter. Criteria: Invitae Variant Classification Sherloc (09022015). Collection method: clinical testing. Allele origin: germline.

PreventionGenetics, part of Exact Sciences
Classification: Benign for RREB1-related condition. Last evaluated: 2019-04-09. Review status: no assertion criteria provided. Collection method: clinical testing. Allele origin: germline. Not counted in ClinVar's aggregate classification.
Comment: This variant is classified as benign based on ACMG/AMP sequence variant interpretation guidelines (Richards et al. 2015 PMID: 25741868, with internal and published modifications).